The following is an entry in ClinVar:

ClinVar aggregate classification (germline): Uncertain significance (1 of 4 stars; one submission).

Allele frequency attached by ClinVar (database versions not stated): gnomAD 0.00001.
gnomAD v4.1: 2 of 1,612,986 alleles (0.00012%); highest among the groups gnomAD compares: East Asian, 0.0022%; no homozygotes.

Submission:

Labcorp Genetics (formerly Invitae), Labcorp
Classification: Uncertain significance. Last evaluated: 2025-10-13. Review status: criteria provided, single submitter. Criteria: Invitae Variant Classification Sherloc (09022015). Collection method: clinical testing. Allele origin: germline.
Comment: This sequence change replaces asparagine, which is neutral and polar, with serine, which is neutral and polar, at codon 785 of the LRP2 protein (p.Asn785Ser). This variant is present in population databases (no rsID available, gnomAD 0.06%). This variant has not been reported in the literature in individuals affected with LRP2-related conditions. ClinVar contains an entry for this variant (Variation ID: 1392375). Invitae Evidence Modeling of protein sequence and biophysical properties (such as structural, functional, and spatial information, amino acid conservation, physicochemical variation, residue mobility, and thermodynamic stability) indicates that this missense variant is not expected to disrupt LRP2 protein function with a negative predictive value of 80%. In summary, the available evidence is currently insufficient to determine the role of this variant in disease. Therefore, it has been classified as a Variant of Uncertain Significance.

NM_004525.3(LRP2):c.2354A>G (p.Asn785Ser)

Gene: LRP2 (LDL receptor related protein 2; minus strand). Cytogenetic location: 2q31.1.
Variant type: single nucleotide variant.
Coding change: c.2354A>G on transcript NM_004525.3 (MANE Select); coding-DNA position 2354, A replaced by G.
Protein change: p.Asn785Ser; replaces asparagine 785 with serine.
Molecular consequence: missense variant.
Genome position (GRCh38, 1-based): chr2:169,259,184, T>C on the plus strand (A>G on the coding strand, the complement: LRP2 is on the minus strand). VCF-style: chr2-169259184-T-C. GRCh37 (hg19) VCF-style: chr2-170115694-T-C.
Other names: short protein forms N785S.
Identifiers: ClinVar variation 1392375 (VCV001392375.4), dbSNP rs1172650014, ClinGen allele CA349158638.